The following is an entry in ClinVar:

ClinVar aggregate classification (germline): Pathogenic (1 of 4 stars; one submission).

Submission:

Quest Diagnostics Nichols Institute San Juan Capistrano
Classification: Pathogenic. Last evaluated: 2023-08-31. Review status: criteria provided, single submitter. Criteria: ACMG/ClinGen CNV Guidelines, 2019. Collection method: clinical testing. Allele origin: unknown.
Comment: This 17q25.3qter terminal deletion contains more than 40 protein-coding genes. De novo deletions of 17q25.3 that largely overlap or fall within the current interval have been reported in multiple patients with cardiac defects and various forms of developmental delay (Probst 2015). Therefore, based on gene count and current medical literature, this copy number variant is classified as pathogenic. References: Probst et al., Orphanet J Rare Dis. 2015 Jun 14;10:75. PMID: 26070612

GRCh37/hg19 17q25.3(chr17:79663142-81041938)x1

Genes: ALYREF (Aly/REF export factor; minus strand), ANAPC11 (anaphase promoting complex subunit 11; plus strand), ARHGDIA (Rho GDP dissociation inhibitor alpha; minus strand), ASPSCR1 (ASPSCR1 tether for SLC2A4, UBX domain containing; plus strand), B3GNTL1 (UDP-GlcNAc:betaGal beta-1,3-N-acetylglucosaminyltransferase like 1) and 42 more. Cytogenetic location: 17q25.3.
Variant type: copy number loss.
Change: copy number 1 (one copy instead of two) of chr17:79,663,142-81,041,938 (1.38 Mb, GRCh37 coordinates, 1-based), cytogenetic band 17q25.3.
Identifiers: ClinVar variation 3391935 (VCV003391935.1).